The following is an entry in ClinVar:

ClinVar aggregate classification (germline): Likely benign (0 of 4 stars; one submission).

Conditions:
GLS-related disorder. Also called: GLS-related condition.

Submission:

PreventionGenetics, part of Exact Sciences
Classification: Likely benign for GLS-related condition. Last evaluated: 2024-05-09. Review status: no assertion criteria provided. Collection method: clinical testing. Allele origin: germline.
Comment: This variant is classified as likely benign based on ACMG/AMP sequence variant interpretation guidelines (Richards et al. 2015 PMID: 25741868, with internal and published modifications).

NM_014905.5(GLS):c.-212GCA[22]

Genes: GLS (glutaminase; plus strand), LOC129935268 (ATAC-STARR-seq lymphoblastoid silent region 12186; plus strand). Cytogenetic location: 2q32.2.
Variant type: Microsatellite.
Coding change: c.-212GCA[22] on transcript NM_014905.5 (MANE Select); 22 copies in a row of the 3-base unit GCA starting at c.-212; the reference has 16 copies in a row; six copies, 18 bases duplicated.
Molecular consequence: 5 prime UTR variant.
Genome position (GRCh38, 1-based): chr2:190,880,903-190,880,920, GCAGCAGCAGCAGCAGCA duplicated; duplicating any 18 consecutive bases within chr2:190,880,873-190,880,920 gives the same sequence; the position shown is the placement nearest the transcript's 3' end. VCF-style (leftmost placement, unchanged base first): chr2-190880872-C-CGCAGCAGCAGCAGCAGCA. GRCh37 (hg19) VCF-style: chr2-191745598-C-CGCAGCAGCAGCAGCAGCA.
Other names: c.-212GCA[22] (NM_001256310.2).
Identifiers: ClinVar variation 3352614 (VCV003352614.1).